The following is an entry in ClinVar:

ClinVar aggregate classification (germline): Uncertain significance. Review status: criteria provided, multiple submitters, no conflicts (2 of 4 stars). 3 submissions from 3 submitters: Uncertain significance (3). Last evaluated 2025-02-28.

Conditions:
Bethlem myopathy 1A. Also called: Bethlem Muscular Dystrophy; Bethlem myopathy 1; MYOPATHY, BENIGN CONGENITAL, WITH CONTRACTURES. Identifiers: Orphanet 610, MedGen CN029274, MONDO:0024530, OMIM 158810.
Inborn genetic diseases. Identifiers: MedGen C0950123, MeSH D030342.

Allele frequency attached by ClinVar (database versions not stated): gnomAD exomes below 0.00001; ExAC 0.00001; gnomAD 0.00001; TOPMed 0.00002.
gnomAD v4.1: 3 of 1,614,026 alleles (0.00019%); highest among the groups gnomAD compares: Admixed American, 0.0017%; no homozygotes.

Submissions (3):

Ambry Genetics
Classification: Uncertain significance for Inborn genetic diseases. Last evaluated: 2025-02-28. Review status: criteria provided, single submitter. Criteria: Ambry Variant Classification Scheme 2023. Collection method: clinical testing. Allele origin: germline.

Labcorp Genetics (formerly Invitae), Labcorp
Classification: Uncertain significance for Bethlem myopathy 1A. Last evaluated: 2022-07-02. Review status: criteria provided, single submitter. Criteria: Invitae Variant Classification Sherloc (09022015). Collection method: clinical testing. Allele origin: germline.
Comment: In summary, the available evidence is currently insufficient to determine the role of this variant in disease. Therefore, it has been classified as a Variant of Uncertain Significance. Algorithms developed to predict the effect of missense changes on protein structure and function are either unavailable or do not agree on the potential impact of this missense change (SIFT: "Tolerated"; PolyPhen-2: "Not Available"; Align-GVGD: "Class C0"). ClinVar contains an entry for this variant (Variation ID: 961466). This variant has not been reported in the literature in individuals affected with COL6A3-related conditions. This variant is present in population databases (rs756868798, gnomAD 0.003%). This sequence change replaces phenylalanine, which is neutral and non-polar, with leucine, which is neutral and non-polar, at codon 2493 of the COL6A3 protein (p.Phe2493Leu).

Greenwood Genetic Center Diagnostic Laboratories, Greenwood Genetic Center
Classification: Uncertain significance. Last evaluated: 2021-11-24. Review status: criteria provided, single submitter. Criteria: ACMG Guidelines, 2015. Collection method: clinical testing. Allele origin: germline. Affected: yes.
Comment: PP3, PM2

NM_004369.4(COL6A3):c.7477T>C (p.Phe2493Leu)

Gene: COL6A3 (collagen type VI alpha 3 chain; minus strand). Cytogenetic location: 2q37.3.
Variant type: single nucleotide variant.
Coding change: c.7477T>C on transcript NM_004369.4 (MANE Select); coding-DNA position 7477, T replaced by C.
Protein change: p.Phe2493Leu; replaces phenylalanine 2493 with leucine.
Molecular consequence: missense variant.
Genome position (GRCh38, 1-based): chr2:237,344,541, A>G on the plus strand (T>C on the coding strand, the complement: COL6A3 is on the minus strand). VCF-style: chr2-237344541-A-G. GRCh37 (hg19) VCF-style: chr2-238253184-A-G.
Other names: c.5656T>C, p.Phe1886Leu (NM_057166.5); c.6859T>C, p.Phe2287Leu (NM_057167.4); short protein forms F2287L, F1886L, F2493L.
Identifiers: ClinVar variation 961466 (VCV000961466.15), dbSNP rs756868798, ClinGen allele CA2187794.